The following is an entry in ClinVar:

ClinVar aggregate classification (germline): Uncertain significance (1 of 4 stars; one submission).

Conditions:
Long QT syndrome (LQTS). Identifiers: MedGen C0023976, MeSH D008133, MONDO:0002442. Disease mechanism: loss of function. Inheritance: Various modes of inheritance.

Allele frequency attached by ClinVar (database versions not stated): TOPMed below 0.00001.
gnomAD v4.1: 36 of 1,613,548 alleles (0.0022%); highest among the groups gnomAD compares: Non-Finnish European, 0.003%; no homozygotes.

Submission:

Labcorp Genetics (formerly Invitae), Labcorp
Classification: Uncertain significance for Long QT syndrome. Last evaluated: 2024-09-24. Review status: criteria provided, single submitter. Criteria: Invitae Variant Classification Sherloc (09022015). Collection method: clinical testing. Allele origin: germline.
Comment: This sequence change replaces leucine, which is neutral and non-polar, with phenylalanine, which is neutral and non-polar, at codon 3236 of the ANK2 protein (p.Leu3236Phe). This variant is present in population databases (rs758566777, gnomAD 0.002%). This variant has not been reported in the literature in individuals affected with ANK2-related conditions. ClinVar contains an entry for this variant (Variation ID: 2201808). An algorithm developed to predict the effect of missense changes on protein structure and function (PolyPhen-2) suggests that this variant is likely to be tolerated. In summary, the available evidence is currently insufficient to determine the role of this variant in disease. Therefore, it has been classified as a Variant of Uncertain Significance.

NM_001148.6(ANK2):c.9706C>T (p.Leu3236Phe)

Gene: ANK2 (ankyrin 2; plus strand). Cytogenetic location: 4q26.
Variant type: single nucleotide variant.
Coding change: c.9706C>T on transcript NM_001148.6 (MANE Select); coding-DNA position 9706, C replaced by T.
Protein change: p.Leu3236Phe; replaces leucine 3236 with phenylalanine.
Molecular consequence: missense variant. On other transcripts: intron variant (68).
Genome position (GRCh38, 1-based): chr4:113,358,324, C>T. VCF-style: chr4-113358324-C-T. GRCh37 (hg19) VCF-style: chr4-114279480-C-T.
Other names: c.4292-2499C>T (NM_001386187.2); c.4253-2499C>T (NM_001386147.1); c.4271-2499C>T (NM_001386160.1); c.4376-2499C>T (NM_001354254.2); c.4397-2499C>T (NM_001354239.2, NM_001354252.2); c.4298-2499C>T (NM_001354272.2); c.4361-2499C>T (NM_001354244.2, NM_001354256.2, NM_001386161.1); c.4400-2499C>T (NM_001127493.3); and 35 more; short protein forms L3275F, L2036F, L3158F, L3236F, L3283F.
Identifiers: ClinVar variation 2201808 (VCV002201808.4), dbSNP rs758566777, ClinGen allele CA103817562.